The following is an entry in ClinVar:

NM_000548.5(TSC2):c.2065C>T (p.Leu689Phe)

Gene: TSC2 (TSC complex subunit 2; plus strand). Cytogenetic location: 16p13.3.
Variant type: single nucleotide variant.
Coding change: c.2065C>T on transcript NM_000548.5 (MANE Select); coding-DNA position 2065, C replaced by T.
Protein change: p.Leu689Phe; replaces leucine 689 with phenylalanine.
Molecular consequence: missense variant.
Genome position (GRCh38, 1-based): chr16:2,071,902, C>T. VCF-style: chr16-2071902-C-T. GRCh37 (hg19) VCF-style: chr16-2121903-C-T.
Other names: c.2065C>T, p.Leu689Phe (NM_001077183.3, NM_001114382.3, NM_001363528.2 and 3 more transcripts); c.1954C>T, p.Leu652Phe (NM_001318827.2); c.1918C>T, p.Leu640Phe (NM_001318829.2); c.1465C>T, p.Leu489Phe (NM_001318831.2); c.2098C>T, p.Leu700Phe (NM_001318832.2); short protein forms L689F, L489F, L640F, L700F, L652F.
Identifiers: ClinVar variation 580881 (VCV000580881.11), dbSNP rs1567465268, ClinGen allele CA394274652.

ClinVar aggregate classification (germline): Uncertain significance. Review status: criteria provided, multiple submitters, no conflicts (2 of 4 stars). 2 submissions from 2 submitters: Uncertain significance (2). Last evaluated 2025-09-19.

Conditions:
Tuberous sclerosis 2 (TSC2). Identifiers: Orphanet 805, MedGen C1860707, MONDO:0013199, OMIM 613254.
Hereditary cancer-predisposing syndrome. Also called: Hereditary neoplastic syndrome; Tumor predisposition; Hereditary Cancer Syndrome; Neoplastic Syndromes, Hereditary. Identifiers: Orphanet 140162, MedGen C0027672, MeSH D009386, MONDO:0015356.

Submissions (2):

Ambry Genetics
Classification: Uncertain significance for Hereditary cancer-predisposing syndrome. Last evaluated: 2025-09-19. Review status: criteria provided, single submitter. Criteria: Ambry Variant Classification Scheme 2023. Collection method: clinical testing. Allele origin: germline.
Comment: The p.L689F variant (also known as c.2065C>T), located in coding exon 18 of the TSC2 gene, results from a C to T substitution at nucleotide position 2065. The leucine at codon 689 is replaced by phenylalanine, an amino acid with highly similar properties. This amino acid position is not well conserved in available vertebrate species. In addition, the in silico prediction for this alteration is inconclusive. Since supporting evidence is limited at this time, the clinical significance of this alteration remains unclear.

Labcorp Genetics (formerly Invitae), Labcorp
Classification: Uncertain significance for Tuberous sclerosis 2. Last evaluated: 2024-08-21. Review status: criteria provided, single submitter. Criteria: Invitae Variant Classification Sherloc (09022015). Collection method: clinical testing. Allele origin: germline.
Comment: This sequence change replaces leucine, which is neutral and non-polar, with phenylalanine, which is neutral and non-polar, at codon 689 of the TSC2 protein (p.Leu689Phe). This variant is not present in population databases (gnomAD no frequency). This variant has not been reported in the literature in individuals affected with TSC2-related conditions. ClinVar contains an entry for this variant (Variation ID: 580881). Invitae Evidence Modeling of protein sequence and biophysical properties (such as structural, functional, and spatial information, amino acid conservation, physicochemical variation, residue mobility, and thermodynamic stability) indicates that this missense variant is not expected to disrupt TSC2 protein function with a negative predictive value of 95%. In summary, the available evidence is currently insufficient to determine the role of this variant in disease. Therefore, it has been classified as a Variant of Uncertain Significance.